The following is an entry in ClinVar:

NM_001754.5(RUNX1):c.475A>G (p.Asn159Asp)

Genes: RUNX1 (RUNX family transcription factor 1; minus strand), RUNX1-AS1 (RUNX1 antisense RNA 1; plus strand). Cytogenetic location: 21q22.12.
Variant type: single nucleotide variant.
Coding change: c.475A>G on transcript NM_001754.5 (MANE Select); coding-DNA position 475, A replaced by G.
Protein change: p.Asn159Asp; replaces asparagine 159 with aspartic acid.
Molecular consequence: missense variant.
Genome position (GRCh38, 1-based): chr21:34,880,590, T>C on the plus strand (A>G on the coding strand, the complement: RUNX1 is on the minus strand). VCF-style: chr21-34880590-T-C. GRCh37 (hg19) VCF-style: chr21-36252887-T-C.
Other names: NM_001754.5(RUNX1):c.475A>G; p.Asn159Asp; c.394A>G, p.Asn132Asp (NM_001001890.3, NM_001122607.2); short protein forms N132D, N159D.
Identifiers: ClinVar variation 956982 (VCV000956982.13), dbSNP rs2057885323, ClinGen allele CA410202533.

ClinVar aggregate classification (germline): Uncertain significance. Review status: reviewed by expert panel (3 of 4 stars). 4 submissions from 4 submitters: Uncertain significance (1). 3 of the submissions do not count toward it. Last evaluated 2024-07-17.

Conditions:
Hereditary thrombocytopenia and hematological cancer predisposition syndrome associated with RUNX1. Also called: Familial Platelet Disorder with Propensity to Acute Myelogenous Leukemia; Familial thrombocytopenia with propensity to acute myelogenous leukemia; RUNX1 Familial Platelet Disorder with Associated Myeloid Malignancies; PLATELET DISORDER, ASPIRIN-LIKE. Identifiers: Orphanet 71290, MedGen C1832388, MeSH C563324, MONDO:0100083, OMIM 601399.
Hereditary thrombocytopenia and hematologic cancer predisposition syndrome. Identifiers: Orphanet 71290, MedGen CN281654, MONDO:0011071.
Inborn genetic diseases. Identifiers: MedGen C0950123, MeSH D030342.

Allele frequency attached by ClinVar (database versions not stated): gnomAD exomes below 0.00001.
gnomAD v4.1: 6 of 1,614,120 alleles (0.00037%); highest among the groups gnomAD compares: Non-Finnish European, 0.00051%; no homozygotes.

Submissions (4):

ClinGen Myeloid Malignancy Variant Curation Expert Panel
Classification: Uncertain significance for Hereditary thrombocytopenia and hematologic cancer predisposition syndrome. Last evaluated: 2024-07-17. Review status: reviewed by expert panel. Criteria: ClinGen MyeloMalig ACMG Specifications v2. Collection method: curation. Allele origin: germline. Inheritance: Autosomal dominant inheritance.
Comment: NM_001754.5(RUNX1):c.475A>G (p.Asn159Asp) is a missense variant affecting one of the residues within the runt homology domain (AA 89-204) (PM1_supporting). This variant is completely absent from all population databases with at least 20x coverage for RUNX1 (PM2_supporting). This missense variant has a REVEL score >0.88 (0.956) (PP3). Transactivation assays demonstrate normal transactivation at 80.43% (80-115% of wt), suggesting functional similarity to the wild type (BS3_Supporting; PMID: 34166225). In summary, the clinical significance of this variant is uncertain. ACMG/AMP criteria have been applied, as specified by the Myeloid Malignancy Variant Curation Expert Panel for RUNX1: PM1_supporting, PM2_supporting, BS3_supporting, PP3.

Ambry Genetics
Classification: Uncertain significance for Inborn genetic diseases. Last evaluated: 2025-02-21. Review status: criteria provided, single submitter. Criteria: Ambry Variant Classification Scheme 2023. Collection method: clinical testing. Allele origin: germline. Not counted in ClinVar's aggregate classification.
Comment: The p.N159D variant (also known as c.475A>G), located in coding exon 4 of the RUNX1 gene, results from an A to G substitution at nucleotide position 475. The asparagine at codon 159 is replaced by aspartic acid, an amino acid with highly similar properties. This variant was reported in individual(s) with features consistent with RUNX1 familial platelet disorder with associated myeloid malignancies, but germline origin was not confirmed (Li Y et al. J Clin Invest, 2021 Jun;131:). This amino acid position is highly conserved in available vertebrate species. In addition, this alteration is predicted to be deleterious by in silico analysis. Based on the available evidence, the clinical significance of this variant remains unclear.

Labcorp Genetics (formerly Invitae), Labcorp
Classification: Uncertain significance for Hereditary thrombocytopenia and hematological cancer predisposition syndrome associated with RUNX1. Last evaluated: 2024-05-22. Review status: criteria provided, single submitter. Criteria: Invitae Variant Classification Sherloc (09022015). Collection method: clinical testing. Allele origin: germline. Not counted in ClinVar's aggregate classification.
Comment: This sequence change replaces asparagine, which is neutral and polar, with aspartic acid, which is acidic and polar, at codon 159 of the RUNX1 protein (p.Asn159Asp). This variant is not present in population databases (gnomAD no frequency). This missense change has been observed in individual(s) with glioma and/or acute lymphoblastic leukemia (PMID: 26580448, 34166225). ClinVar contains an entry for this variant (Variation ID: 956982). Advanced modeling of protein sequence and biophysical properties (such as structural, functional, and spatial information, amino acid conservation, physicochemical variation, residue mobility, and thermodynamic stability) performed at Invitae indicates that this missense variant is expected to disrupt RUNX1 protein function with a positive predictive value of 80%. Experimental studies have shown that this missense change affects RUNX1 function (PMID: 34166225). In summary, the available evidence is currently insufficient to determine the role of this variant in disease. Therefore, it has been classified as a Variant of Uncertain Significance.

GeneDx
Classification: Uncertain significance. Last evaluated: 2022-05-19. Review status: criteria provided, single submitter. Criteria: GeneDx Variant Classification Process June 2021. Collection method: clinical testing. Allele origin: germline. Affected: yes. Not counted in ClinVar's aggregate classification.
Comment: Not observed at significant frequency in large population cohorts (gnomAD); In silico analysis supports that this missense variant has a deleterious effect on protein structure/function; Identified in individuals with pediatric-onset B-cell acute lymphoblastic leukemia or low-grade glioma (Zhang et al., 2015; Li et al., 2021); This variant is associated with the following publications: (PMID: 34166225, 26580448)

Literature cited by the submitters: PubMed 34166225 (cited by Ambry Genetics and Labcorp Genetics (formerly Invitae), Labcorp); PubMed 26580448 (cited by Labcorp Genetics (formerly Invitae), Labcorp).